The following is an entry in ClinVar:

ClinVar aggregate classification (germline): Uncertain significance (1 of 4 stars; one submission).

gnomAD v4.1: 12 of 1,613,866 alleles (0.00074%); highest among the groups gnomAD compares: African/African-American, 0.0013%; no homozygotes.

Submission:

Labcorp Genetics (formerly Invitae), Labcorp
Classification: Uncertain significance. Last evaluated: 2025-07-11. Review status: criteria provided, single submitter. Criteria: Invitae Variant Classification Sherloc (09022015). Collection method: clinical testing. Allele origin: germline.
Comment: This sequence change replaces arginine, which is basic and polar, with tryptophan, which is neutral and slightly polar, at codon 189 of the MRPS22 protein (p.Arg189Trp). This variant is present in population databases (rs146250349, gnomAD 0.002%). This variant has not been reported in the literature in individuals affected with MRPS22-related conditions. Invitae Evidence Modeling of protein sequence and biophysical properties (such as structural, functional, and spatial information, amino acid conservation, physicochemical variation, residue mobility, and thermodynamic stability) indicates that this missense variant is expected to disrupt MRPS22 protein function with a positive predictive value of 80%. In summary, the available evidence is currently insufficient to determine the role of this variant in disease. Therefore, it has been classified as a Variant of Uncertain Significance.

NM_020191.4(MRPS22):c.565C>T (p.Arg189Trp)

Gene: MRPS22 (mitochondrial ribosomal protein S22; plus strand). Cytogenetic location: 3q23.
Variant type: single nucleotide variant.
Coding change: c.565C>T on transcript NM_020191.4 (MANE Select); coding-DNA position 565, C replaced by T.
Protein change: p.Arg189Trp; replaces arginine 189 with tryptophan.
Molecular consequence: missense variant.
Genome position (GRCh38, 1-based): chr3:139,350,239, C>T. VCF-style: chr3-139350239-C-T. GRCh37 (hg19) VCF-style: chr3-139069081-C-T.
Other names: c.442C>T, p.Arg148Trp (NM_001363857.1); c.562C>T, p.Arg188Trp (NM_001363893.1); short protein forms R188W, R189W, R148W.
Identifiers: ClinVar variation 4747694 (VCV004747694.1).